The following is an entry in ClinVar:

NC_000006.11:g.(?_66417023)_(66417118_?)del

Gene: EYS (eyes shut homolog; minus strand). Cytogenetic location: 6q12.
Variant type: Deletion.
Identifiers: ClinVar variation 1072818 (VCV001072818.6).

ClinVar aggregate classification (germline): Pathogenic (1 of 4 stars; one submission).

Submission:

Labcorp Genetics (formerly Invitae), Labcorp
Classification: Pathogenic. Last evaluated: 2023-07-16. Review status: criteria provided, single submitter. Criteria: Invitae Variant Classification Sherloc (09022015). Collection method: clinical testing. Allele origin: germline.
Comment: This variant occurs in a non-coding region of the EYS gene. It does not change the encoded amino acid sequence of the EYS protein. This variant has been observed in individual(s) with retinitis pigmentosa (PMID: 24265693, 31814702; Invitae). In at least one individual the data is consistent with being in trans (on the opposite chromosome) from a pathogenic variant. Experimental studies and prediction algorithms are not available or were not evaluated, and the functional significance of this variant is currently unknown. For these reasons, this variant has been classified as Pathogenic.

Literature cited by the submitters: PubMed 24265693; PubMed 31814702.